The following is an entry in ClinVar:

NM_182972.3(IRF2BP2):c.1760C>T (p.Ser587Leu)

Gene: IRF2BP2 (interferon regulatory factor 2 binding protein 2; minus strand). Cytogenetic location: 1q42.3.
Variant type: single nucleotide variant.
Coding change: c.1760C>T on transcript NM_182972.3 (MANE Select); coding-DNA position 1760, C replaced by T.
Protein change: p.Ser587Leu; replaces serine 587 with leucine.
Molecular consequence: missense variant.
Genome position (GRCh38, 1-based): chr1:234,607,141, G>A on the plus strand (C>T on the coding strand, the complement: IRF2BP2 is on the minus strand). VCF-style: chr1-234607141-G-A. GRCh37 (hg19) VCF-style: chr1-234742887-G-A.
Other names: c.1712C>T, p.Ser571Leu (NM_001077397.1); short protein forms S571L, S587L.
Identifiers: ClinVar variation 3358969 (VCV003358969.2).

ClinVar aggregate classification (germline): Uncertain significance (1 of 4 stars; one submission).

Conditions:
Immune deficiency, familial variable. Identifiers: Orphanet 1572, MedGen C1840266, MONDO:0007814, OMIM 146830.

gnomAD v4.1: 1 of 1,604,284 alleles (0.000062%); highest among the groups gnomAD compares: Non-Finnish European, 0.000085%; no homozygotes.

Submission:

Institute of Human Genetics, University of Leipzig Medical Center
Classification: Uncertain significance for Immune deficiency, familial variable. Last evaluated: 2024-06-07. Review status: criteria provided, single submitter. Criteria: ACMG Guidelines, 2015. Collection method: clinical testing. Allele origin: unknown. Inheritance: Autosomal dominant inheritance. Affected: yes.
Comment: Criteria applied: PM2_SUP,PP3